The following is an entry in ClinVar:

ClinVar aggregate classification (germline): Benign/Likely benign. Review status: criteria provided, multiple submitters, no conflicts (2 of 4 stars). 10 submissions from 10 submitters: Benign (4); Likely benign (6). Last evaluated 2026-02-03.

Conditions:
Classic or attenuated familial adenomatous polyposis. Identifiers: MedGen CN372698, MONDO:0021057.
APC-related disorder. Also called: APC-related condition.
Hereditary cancer-predisposing syndrome. Also called: Neoplastic Syndromes, Hereditary; Tumor predisposition; Hereditary neoplastic syndrome; Hereditary Cancer Syndrome. Identifiers: Orphanet 140162, MedGen C0027672, MeSH D009386, MONDO:0015356.
Familial adenomatous polyposis 1 (FAP1). Also called: FAMILIAL ADENOMATOUS POLYPOSIS 1, ATTENUATED; POLYPOSIS, ADENOMATOUS INTESTINAL. Identifiers: MedGen C2713442, MONDO:0021056, OMIM 175100. Disease mechanism: loss of function.

Allele frequency attached by ClinVar (database versions not stated): ExAC 0.00004; gnomAD 0.00004 and 0.00005; gnomAD exomes 0.00008; TOPMed 0.00008.
gnomAD v4.1: 44 of 1,613,858 alleles (0.0027%); highest among the groups gnomAD compares: East Asian, 0.094%; no homozygotes.

Submissions (10):

Labcorp Genetics (formerly Invitae), Labcorp
Classification: Benign for Familial adenomatous polyposis 1. Last evaluated: 2026-02-03. Review status: criteria provided, single submitter. Criteria: Invitae Variant Classification Sherloc (09022015). Collection method: clinical testing. Allele origin: germline.

PreventionGenetics, part of Exact Sciences
Classification: Likely benign for APC-related condition. Last evaluated: 2025-09-08. Review status: criteria provided, single submitter. Criteria: ACMG Guidelines, 2015. Collection method: clinical testing. Allele origin: germline.
Comment: This variant is classified as likely benign based on ACMG/AMP sequence variant interpretation guidelines (Richards et al. 2015 PMID: 25741868, with internal and published modifications).

Department of Pathology and Laboratory Medicine, Sinai Health System
Classification: Likely benign for classic or attenuated familial adenomatous polyposis. Last evaluated: 2024-11-04. Review status: criteria provided, single submitter. Criteria: ACMG Guidelines, 2015. Collection method: clinical testing. Allele origin: germline. Affected: yes.

Blueprint Genetics
Classification: Likely benign. Last evaluated: 2024-07-23. Review status: criteria provided, single submitter. Criteria: ACMG Guidelines, 2015. Collection method: clinical testing. Allele origin: germline.

Myriad Genetics, Inc.
Classification: Benign for Familial adenomatous polyposis 1. Last evaluated: 2024-04-04. Review status: criteria provided, single submitter. Criteria: Myriad Autosomal Dominant, Autosomal Recessive and X-Linked Classification Criteria (2023). Collection method: clinical testing. Allele origin: unknown.
Comment: This variant is considered benign. This variant is a silent/synonymous amino acid change and it is not expected to impact splicing.

Women's Health and Genetics/Laboratory Corporation of America, LabCorp
Classification: Benign. Last evaluated: 2021-03-11. Review status: criteria provided, single submitter. Criteria: LabCorp Variant Classification Summary - May 2015. Collection method: clinical testing. Allele origin: germline.

Quest Diagnostics Nichols Institute San Juan Capistrano
Classification: Benign. Last evaluated: 2020-04-03. Review status: criteria provided, single submitter. Criteria: Quest Diagnostics criteria. Collection method: clinical testing. Allele origin: unknown.

GeneDx
Classification: Likely benign. Last evaluated: 2019-08-08. Review status: criteria provided, single submitter. Criteria: GeneDx Variant Classification Process June 2021. Collection method: clinical testing. Allele origin: germline. Affected: yes.

Color Diagnostics, LLC DBA Color Health
Classification: Likely benign for Hereditary cancer-predisposing syndrome. Last evaluated: 2016-10-03. Review status: criteria provided, single submitter. Criteria: ACMG Guidelines, 2015. Collection method: clinical testing. Allele origin: germline.

Ambry Genetics
Classification: Likely benign for Hereditary cancer-predisposing syndrome. Last evaluated: 2015-06-28. Review status: criteria provided, single submitter. Criteria: Ambry Variant Classification Scheme 2023. Collection method: clinical testing. Allele origin: germline.

NM_000038.6(APC):c.6219T>G (p.Gly2073=)

Gene: APC (APC regulator of Wnt signaling pathway; plus strand). Cytogenetic location: 5q22.2.
Variant type: single nucleotide variant.
Coding change: c.6219T>G on transcript NM_000038.6 (MANE Select); coding-DNA position 6219, T replaced by G.
Protein change: p.Gly2073=; no amino-acid change (glycine 2073 retained).
Molecular consequence: synonymous variant.
Genome position (GRCh38, 1-based): chr5:112,841,813, T>G. VCF-style: chr5-112841813-T-G. GRCh37 (hg19) VCF-style: chr5-112177510-T-G.
Other names: c.6219T>G, p.Gly2073= (NM_001127510.3, NM_001354895.2); c.6165T>G, p.Gly2055= (NM_001127511.3); c.6273T>G, p.Gly2091= (NM_001354896.2); c.6249T>G, p.Gly2083= (NM_001354897.2); c.6144T>G, p.Gly2048= (NM_001354898.2); c.6135T>G, p.Gly2045= (NM_001354899.2); c.6096T>G, p.Gly2032= (NM_001354900.2); c.6042T>G, p.Gly2014= (NM_001354901.2); and 5 more.
Identifiers: ClinVar variation 183832 (VCV000183832.27), dbSNP rs766559927, ClinGen allele CA011012.